The following is an entry in ClinVar:

ClinVar aggregate classification (germline): Conflicting classifications of pathogenicity. Review status: criteria provided, conflicting classifications (1 of 4 stars). 5 submissions from 5 submitters: Uncertain significance (1); Likely benign (3). 1 of the submissions does not count toward it. Last evaluated 2026-02-01.

Conditions:
LPIN1-related disorder. Also called: LPIN1-related condition.
Myoglobinuria, acute recurrent, autosomal recessive. Also called: MYOGLOBINURIA, FAMILIAL PAROXYSMAL PARALYTIC; RHABDOMYOLYSIS, ACUTE RECURRENT; Myoglobinuria, recurrent, autosomal recessive. Identifiers: Orphanet 99845, MedGen C1849386, MONDO:0009992, OMIM 268200.

Allele frequency attached by ClinVar (database versions not stated): 1000 Genomes Project 30x 0.00016; gnomAD 0.00017; TOPMed 0.00019; 1000 Genomes Project 0.00020; ESP Exome Variant Server 0.00023; gnomAD exomes 0.00023; ExAC 0.00026.
gnomAD v4.1: 540 of 1,565,994 alleles (0.034%); highest among the groups gnomAD compares: Non-Finnish European, 0.044%; no homozygotes.

Submissions (5):

Labcorp Genetics (formerly Invitae), Labcorp
Classification: Likely benign. Last evaluated: 2026-02-01. Review status: criteria provided, single submitter. Criteria: Invitae Variant Classification Sherloc (09022015). Collection method: clinical testing. Allele origin: germline.

Blueprint Genetics
Classification: Uncertain significance. Last evaluated: 2024-11-21. Review status: criteria provided, single submitter. Criteria: ACMG Guidelines, 2015. Collection method: clinical testing. Allele origin: germline.

Fulgent Genetics
Classification: Likely benign for Myoglobinuria, acute recurrent, autosomal recessive. Last evaluated: 2022-05-24. Review status: criteria provided, single submitter. Criteria: ACMG Guidelines, 2015. Collection method: clinical testing. Allele origin: unknown.

Breakthrough Genomics
Classification: Likely benign. Review status: criteria provided, single submitter. Criteria: ACMG Guidelines, 2015. Collection method: not provided. Allele origin: germline. Inheritance: Autosomal recessive inheritance. Affected: yes.

PreventionGenetics, part of Exact Sciences
Classification: Likely benign for LPIN1-related condition. Last evaluated: 2019-07-02. Review status: no assertion criteria provided. Collection method: clinical testing. Allele origin: germline. Not counted in ClinVar's aggregate classification.
Comment: This variant is classified as likely benign based on ACMG/AMP sequence variant interpretation guidelines (Richards et al. 2015 PMID: 25741868, with internal and published modifications).

NM_001349206.2(LPIN1):c.2163-10C>T

Gene: LPIN1 (lipin 1; plus strand). Cytogenetic location: 2p25.1.
Variant type: single nucleotide variant.
Coding change: c.2163-10C>T on transcript NM_001349206.2 (MANE Select); 10 bases into the intron before coding-DNA position 2163, C replaced by T.
Molecular consequence: intron variant.
Genome position (GRCh38, 1-based): chr2:11,805,060, C>T. VCF-style: chr2-11805060-C-T. GRCh37 (hg19) VCF-style: chr2-11945186-C-T.
Other names: c.2310-10C>T (NM_001261428.3); c.2202-10C>T (NM_001349208.2); c.2253-10C>T (NM_001349207.2); c.2073-10C>T (NM_001261427.3); c.2163-10C>T (NM_001349204.2, NM_001349205.2); c.2160-10C>T (NM_001349202.2, NM_001349203.2); c.2133-10C>T (NM_001349200.2, NM_001349201.2); c.2055-10C>T (NM_001349199.2, NM_145693.4).
Identifiers: ClinVar variation 785752 (VCV000785752.12), dbSNP rs189673725, ClinGen allele CA1534018.